The following is an entry in ClinVar:

ClinVar aggregate classification (germline): Uncertain significance (1 of 4 stars; one submission).

Submission:

Labcorp Genetics (formerly Invitae), Labcorp
Classification: Uncertain significance. Last evaluated: 2024-12-16. Review status: criteria provided, single submitter. Criteria: Invitae Variant Classification Sherloc (09022015). Collection method: clinical testing. Allele origin: germline.
Comment: This sequence change replaces lysine, which is basic and polar, with arginine, which is basic and polar, at codon 931 of the ABCC6 protein (p.Lys931Arg). This variant is not present in population databases (gnomAD no frequency). This variant has not been reported in the literature in individuals affected with ABCC6-related conditions. ClinVar contains an entry for this variant (Variation ID: 2110502). Invitae Evidence Modeling of protein sequence and biophysical properties (such as structural, functional, and spatial information, amino acid conservation, physicochemical variation, residue mobility, and thermodynamic stability) indicates that this missense variant is not expected to disrupt ABCC6 protein function with a negative predictive value of 95%. In summary, the available evidence is currently insufficient to determine the role of this variant in disease. Therefore, it has been classified as a Variant of Uncertain Significance.

NM_001171.6(ABCC6):c.2792A>G (p.Lys931Arg)

Gene: ABCC6 (ATP binding cassette subfamily C member 6; minus strand). Cytogenetic location: 16p13.11.
Variant type: single nucleotide variant.
Coding change: c.2792A>G on transcript NM_001171.6 (MANE Select); coding-DNA position 2792, A replaced by G.
Protein change: p.Lys931Arg; replaces lysine 931 with arginine.
Molecular consequence: missense variant. On other transcripts: non-coding transcript variant (1).
Genome position (GRCh38, 1-based): chr16:16,169,849, T>C on the plus strand (A>G on the coding strand, the complement: ABCC6 is on the minus strand). VCF-style: chr16-16169849-T-C. GRCh37 (hg19) VCF-style: chr16-16263706-T-C.
Other names: c.2450A>G, p.Lys817Arg (NM_001351800.1); short protein forms K817R, K931R.
Identifiers: ClinVar variation 2110502 (VCV002110502.4), dbSNP rs2510974682, ClinGen allele CA394885112.
Genomic context (GRCh38, chr16:16,169,849, plus strand): 5'-AGTGCGTAGAGGCAGAGGGGGGTGCCCACGGCACGCAGGTAGGCCAGGTGCACTGTGGCC[T>C]TCACCTGTAGCACACATGAGGGAGAGGGAGGCAGAGAGAGCCCCCAGTGGGAGGGGTGGG-3'
Protein context (NP_001162.5, residues 921-941): GKDSIQYGRV[Lys931Arg]ATVHLAYLRA